The following is an entry in ClinVar:

ClinVar aggregate classification (germline): Benign/Likely benign. Review status: criteria provided, multiple submitters, no conflicts (2 of 4 stars). 10 submissions from 10 submitters: Benign (5); Likely benign (3). 2 of the submissions do not count toward it. Last evaluated 2026-09-01.

Conditions:
Nemaline myopathy 2 (NEM2). Also called: Nemaline myopathy 2, autosomal recessive. Identifiers: MedGen C1850569, MONDO:0009725, OMIM 256030.

Allele frequency attached by ClinVar (database versions not stated): 1000 Genomes Project 0.00439; 1000 Genomes Project 30x 0.00593; gnomAD exomes 0.00780 and 0.00926; ESP Exome Variant Server 0.00840; gnomAD 0.00840 and 0.00856; TOPMed 0.00876; ExAC 0.00988.
gnomAD v4.1: 14,735 of 1,609,240 alleles (0.92%); highest among the groups gnomAD compares: Middle Eastern, 2%; 80 homozygotes.

Submissions (10):

CeGaT Center for Human Genetics Tuebingen
Classification: Benign. Last evaluated: 2026-09-01. Review status: criteria provided, single submitter. Criteria: CeGaT Center For Human Genetics Tuebingen Variant Classification Criteria Version 2. Collection method: clinical testing. Allele origin: germline. Affected: yes. Observed: 41 variant alleles.
Comment: NEB: BP4, BP7, BS1, BS2

Labcorp Genetics (formerly Invitae), Labcorp
Classification: Benign for Nemaline myopathy 2. Last evaluated: 2026-02-04. Review status: criteria provided, single submitter. Criteria: Invitae Variant Classification Sherloc (09022015). Collection method: clinical testing. Allele origin: germline.

Blueprint Genetics
Classification: Likely benign. Last evaluated: 2024-11-22. Review status: criteria provided, single submitter. Criteria: ACMG Guidelines, 2015. Collection method: clinical testing. Allele origin: germline.

Mayo Clinic Laboratories, Mayo Clinic
Classification: Benign. Last evaluated: 2021-12-27. Review status: criteria provided, single submitter. Criteria: ACMG Guidelines, 2015. Collection method: clinical testing. Allele origin: germline. Observed: 12 variant alleles.

Illumina Laboratory Services, Illumina
Classification: Likely benign for Nemaline myopathy 2. Last evaluated: 2018-01-13. Review status: criteria provided, single submitter. Criteria: ICSL Variant Classification Criteria 13 December 2019. Collection method: clinical testing. Allele origin: germline.
Comment: This variant was observed in the ICSL laboratory as part of a predisposition screen in an ostensibly healthy population. It had not been previously curated by ICSL or reported in the Human Gene Mutation Database (HGMD: prior to June 1st, 2018), and was therefore a candidate for classification through an automated scoring system. Utilizing variant allele frequency, disease prevalence and penetrance estimates, and inheritance mode, an automated score was calculated to assess if this variant is too frequent to cause the disease. Based on the score and internal cut-off values, a variant classified as likely benign is not then subjected to further curation. The score for this variant resulted in a classification of likely benign for this disease.

GeneDx
Classification: Benign. Last evaluated: 2016-06-22. Review status: criteria provided, single submitter. Criteria: GeneDx Variant Classification (06012015). Collection method: clinical testing. Allele origin: germline. Affected: yes.
Comment: This variant is considered likely benign or benign based on one or more of the following criteria: it is a conservative change, it occurs at a poorly conserved position in the protein, it is predicted to be benign by multiple in silico algorithms, and/or has population frequency not consistent with disease.

Breakthrough Genomics
Classification: Likely benign. Review status: criteria provided, single submitter. Criteria: ACMG Guidelines, 2015. Collection method: not provided. Allele origin: germline. Inheritance: Autosomal recessive inheritance. Affected: yes.

PreventionGenetics, part of Exact Sciences
Classification: Benign. Review status: criteria provided, single submitter. Criteria: ACMG Guidelines, 2015. Collection method: clinical testing. Allele origin: germline.

Natera, Inc.
Classification: Benign for Nemaline myopathy type 2. Last evaluated: 2020-09-16. Review status: no assertion criteria provided. Collection method: clinical testing. Allele origin: germline. Not counted in ClinVar's aggregate classification.

Genetic Services Laboratory, University of Chicago
Classification: Likely benign for AllHighlyPenetrant. Review status: no assertion criteria provided. Collection method: clinical testing. Allele origin: germline. Inheritance: Autosomal recessive inheritance. Not counted in ClinVar's aggregate classification.
Comment: Likely benign based on allele frequency in 1000 Genomes Project or ESP global frequency and its presence in a patient with a rare or unrelated disease phenotype. NOT Sanger confirmed.

NM_001164508.2(NEB):c.6159G>A (p.Lys2053=)

Gene: NEB (nebulin; minus strand). Cytogenetic location: 2q23.3.
Variant type: single nucleotide variant.
Coding change: c.6159G>A on transcript NM_001164508.2 (MANE Select); coding-DNA position 6159, G replaced by A.
Protein change: p.Lys2053=; no amino-acid change (lysine 2053 retained).
Molecular consequence: synonymous variant.
Genome position (GRCh38, 1-based): chr2:151,658,007, C>T on the plus strand (G>A on the coding strand, the complement: NEB is on the minus strand). VCF-style: chr2-151658007-C-T. GRCh37 (hg19) VCF-style: chr2-152514521-C-T.
Other names: p.Lys2053=; c.6159G>A, p.Lys2053= (NM_001164507.2, NM_001271208.2, NM_004543.5).
Identifiers: ClinVar variation 129754 (VCV000129754.54), dbSNP rs140186806, ClinGen allele CA154022.
Genomic context (GRCh38, chr2:151,658,007, plus strand): 5'-AACCCCCAGCCAGGTGACCGTTTCCTTTGGACTTACATCACTTGCAATATCTCTGGAAGC[C>T]TTGGCAGCTTTGATAGGAATTGCATCAGGTCTGAGATCATAGCCTTTCTTTTTAGACTCT-3'
Protein context (NP_001157980.2, residues 2043-2063): RPDAIPIKAA[Lys2053=]ASRDIASDYK